The following is an entry in ClinVar:

ClinVar aggregate classification (germline): Uncertain significance. Review status: criteria provided, multiple submitters, no conflicts (2 of 4 stars). 2 submissions from 2 submitters: Uncertain significance (2). Last evaluated 2025-05-19.

Conditions:
Pheochromocytoma. Also called: MAX-Related Hereditary Paraganglioma-Pheochromocytoma Syndrome. Identifiers: Orphanet 29072, MedGen C0031511, MONDO:0008233, OMIM 171300, HP:0002666.
Paragangliomas with sensorineural hearing loss. Identifiers: MedGen C1868633.
Cowden syndrome 3 (CWS3). Identifiers: Orphanet 201, MedGen CN166604, MONDO:0014045.
Carney-Stratakis syndrome. Also called: PARAGANGLIOMA AND GASTROINTESTINAL STROMAL TUMOR. Identifiers: Orphanet 97286, MedGen C1847319, MONDO:0011740, OMIM 606864.

Allele frequency attached by ClinVar (database versions not stated): gnomAD exomes below 0.00001.
gnomAD v4.1: 1 of 1,614,210 alleles (0.000062%); highest among the groups gnomAD compares: South Asian, 0.0011%; no homozygotes.

Submissions (2):

GeneDx
Classification: Uncertain significance. Last evaluated: 2025-05-19. Review status: criteria provided, single submitter. Criteria: GeneDx Variant Classification Process June 2021. Collection method: clinical testing. Allele origin: germline. Affected: yes.
Comment: Not observed at significant frequency in large population cohorts (gnomAD); In silico analysis supports that this missense variant has a deleterious effect on protein structure/function; Has not been previously published as pathogenic or benign to our knowledge

Labcorp Genetics (formerly Invitae), Labcorp
Classification: Uncertain significance for Carney-Stratakis syndrome; Paragangliomas with sensorineural hearing loss; Pheochromocytoma; Cowden syndrome 3. Last evaluated: 2024-02-11. Review status: criteria provided, single submitter. Criteria: Invitae Variant Classification Sherloc (09022015). Collection method: clinical testing. Allele origin: germline.
Comment: This sequence change replaces leucine, which is neutral and non-polar, with arginine, which is basic and polar, at codon 7 of the SDHD protein (p.Leu7Arg). This variant is not present in population databases (gnomAD no frequency). This variant has not been reported in the literature in individuals affected with SDHD-related conditions. ClinVar contains an entry for this variant (Variation ID: 946838). Advanced modeling of protein sequence and biophysical properties (such as structural, functional, and spatial information, amino acid conservation, physicochemical variation, residue mobility, and thermodynamic stability) performed at Invitae indicates that this missense variant is not expected to disrupt SDHD protein function with a negative predictive value of 95%. In summary, the available evidence is currently insufficient to determine the role of this variant in disease. Therefore, it has been classified as a Variant of Uncertain Significance.

NM_003002.4(SDHD):c.20T>G (p.Leu7Arg)

Genes: SDHD (succinate dehydrogenase complex subunit D; plus strand), LOC126861339 (BRD4-independent group 4 enhancer GRCh37_chr11:111957035-111958234; plus strand). Cytogenetic location: 11q23.1.
Variant type: single nucleotide variant.
Coding change: c.20T>G on transcript NM_003002.4 (MANE Select); coding-DNA position 20, T replaced by G.
Protein change: p.Leu7Arg; replaces leucine 7 with arginine.
Molecular consequence: missense variant. On other transcripts: non-coding transcript variant (1).
Genome position (GRCh38, 1-based): chr11:112,086,927, T>G. VCF-style: chr11-112086927-T-G. GRCh37 (hg19) VCF-style: chr11-111957651-T-G.
Other names: c.20T>G, p.Leu7Arg (NM_001276503.2, NM_001276504.2, NM_001276506.2); short protein forms L7R.
Identifiers: ClinVar variation 946838 (VCV000946838.12), dbSNP rs1865619523, ClinGen allele CA382616670.